The following is an entry in ClinVar:

NM_000051.4(ATM):c.3078-19A>G

Gene: ATM (ATM serine/threonine kinase; plus strand). Cytogenetic location: 11q22.3.
Variant type: single nucleotide variant.
Coding change: c.3078-19A>G on transcript NM_000051.4 (MANE Select); 19 bases into the intron before coding-DNA position 3078, A replaced by G.
Molecular consequence: intron variant.
Genome position (GRCh38, 1-based): chr11:108,272,513, A>G. VCF-style: chr11-108272513-A-G. GRCh37 (hg19) VCF-style: chr11-108143240-A-G.
Other names: c.3078-19A>G (NM_001351834.2).
Identifiers: ClinVar variation 3254530 (VCV003254530.1), dbSNP rs2135564469.

ClinVar aggregate classification (germline): Likely benign (1 of 4 stars; one submission).

Conditions:
Familial cancer of breast. Also called: BREAST CANCER, FAMILIAL; Hereditary breast cancer; hereditary breast carcinoma. Identifiers: Orphanet 227535, MedGen C0346153, MONDO:0016419, OMIM 114480. Disease mechanism: loss of function.

Submission:

Myriad Genetics, Inc.
Classification: Likely benign for Familial cancer of breast. Last evaluated: 2024-05-13. Review status: criteria provided, single submitter. Criteria: Myriad Autosomal Dominant, Autosomal Recessive and X-Linked Classification Criteria (2023). Collection method: clinical testing. Allele origin: unknown.
Comment: This variant is considered likely benign. This variant is intronic and is not expected to impact mRNA splicing.